The following is an entry in ClinVar:

NM_022725.4(FANCF):c.433A>G (p.Met145Val)

Gene: FANCF (FA complementation group F; minus strand). Cytogenetic location: 11p14.3.
Variant type: single nucleotide variant.
Coding change: c.433A>G on transcript NM_022725.4 (MANE Select); coding-DNA position 433, A replaced by G.
Protein change: p.Met145Val; replaces methionine 145 with valine.
Molecular consequence: missense variant.
Genome position (GRCh38, 1-based): chr11:22,625,378, T>C on the plus strand (A>G on the coding strand, the complement: FANCF is on the minus strand). VCF-style: chr11-22625378-T-C. GRCh37 (hg19) VCF-style: chr11-22646924-T-C.
Other names: short protein forms M145V.
Identifiers: ClinVar variation 1002405 (VCV001002405.9), dbSNP rs766160698, ClinGen allele CA219086644.

ClinVar aggregate classification (germline): Uncertain significance. Review status: criteria provided, multiple submitters, no conflicts (2 of 4 stars). 2 submissions from 2 submitters: Uncertain significance (2). Last evaluated 2023-12-06.

Conditions:
Fanconi anemia complementation group F. Also called: FANCF-Related Fanconi Anemia. Identifiers: Orphanet 84, MedGen C3469526, MONDO:0011325, OMIM 603467.
Fanconi anemia (FA). Also called: Fanconi's anemia. Identifiers: Orphanet 84, MedGen C0015625, MeSH D005199, MONDO:0019391.

Allele frequency attached by ClinVar (database versions not stated): TOPMed 0.00002.

Submissions (2):

Labcorp Genetics (formerly Invitae), Labcorp
Classification: Uncertain significance for Fanconi anemia. Last evaluated: 2023-12-06. Review status: criteria provided, single submitter. Criteria: Invitae Variant Classification Sherloc (09022015). Collection method: clinical testing. Allele origin: germline.
Comment: This sequence change replaces methionine, which is neutral and non-polar, with valine, which is neutral and non-polar, at codon 145 of the FANCF protein (p.Met145Val). This variant is present in population databases (rs766160698, gnomAD 0.006%). This variant has not been reported in the literature in individuals affected with FANCF-related conditions. ClinVar contains an entry for this variant (Variation ID: 1002405). Advanced modeling of protein sequence and biophysical properties (such as structural, functional, and spatial information, amino acid conservation, physicochemical variation, residue mobility, and thermodynamic stability) performed at Invitae indicates that this missense variant is not expected to disrupt FANCF protein function with a negative predictive value of 80%. In summary, the available evidence is currently insufficient to determine the role of this variant in disease. Therefore, it has been classified as a Variant of Uncertain Significance.

Fulgent Genetics
Classification: Uncertain significance for Fanconi anemia complementation group F. Last evaluated: 2022-04-05. Review status: criteria provided, single submitter. Criteria: ACMG Guidelines, 2015. Collection method: clinical testing. Allele origin: unknown.